The following is an entry in ClinVar:

ClinVar aggregate classification (germline): Uncertain significance (1 of 4 stars; one submission).

Conditions:
Ehlers-Danlos syndrome, classic type, 1 (EDSCL1). Also called: EHLERS-DANLOS SYNDROME, GRAVIS TYPE; EHLERS-DANLOS SYNDROME, SEVERE CLASSIC TYPE; Ehlers-Danlos syndrome, type 1; Ehlers-Danlos Syndrome, Classic Type, COL5A1-Related; EDS I. Identifiers: MedGen C0268335, MONDO:0019567, OMIM 130000.
Osteogenesis imperfecta type I (OI1). Also called: OI, TYPE I; OSTEOGENESIS IMPERFECTA TARDA; OSTEOGENESIS IMPERFECTA WITH BLUE SCLERAE; Osteogenesis imperfecta type 1; Lobstein's Disease; Lobstein disease. Identifiers: Orphanet 216796, Orphanet 666, MedGen C0023931, MONDO:0008146, OMIM 166200. Disease mechanism: loss of function.

Submission:

Labcorp Genetics (formerly Invitae), Labcorp
Classification: Uncertain significance for Osteogenesis imperfecta type I; Ehlers-Danlos syndrome, classic type, 1. Last evaluated: 2026-01-27. Review status: criteria provided, single submitter. Criteria: Invitae Variant Classification Sherloc (09022015). Collection method: clinical testing. Allele origin: germline.
Comment: This sequence change replaces alanine, which is neutral and non-polar, with serine, which is neutral and polar, at codon 698 of the COL1A2 protein (p.Ala698Ser). This variant is not present in population databases (gnomAD no frequency). This variant has not been reported in the literature in individuals affected with COL1A2-related conditions. Invitae Evidence Modeling of protein sequence and biophysical properties (such as structural, functional, and spatial information, amino acid conservation, physicochemical variation, residue mobility, and thermodynamic stability) indicates that this missense variant is not expected to disrupt COL1A2 protein function with a negative predictive value of 95%. In summary, the available evidence is currently insufficient to determine the role of this variant in disease. Therefore, it has been classified as a Variant of Uncertain Significance.

NM_000089.4(COL1A2):c.2092G>T (p.Ala698Ser)

Gene: COL1A2 (collagen type I alpha 2 chain; plus strand). Cytogenetic location: 7q21.3.
Variant type: single nucleotide variant.
Coding change: c.2092G>T on transcript NM_000089.4 (MANE Select); coding-DNA position 2092, G replaced by T.
Protein change: p.Ala698Ser; replaces alanine 698 with serine.
Molecular consequence: missense variant.
Genome position (GRCh38, 1-based): chr7:94,420,245, G>T. VCF-style: chr7-94420245-G-T. GRCh37 (hg19) VCF-style: chr7-94049557-G-T.
Other names: short protein forms A698S.
Identifiers: ClinVar variation 4783365 (VCV004783365.1).